The following is an entry in ClinVar:

NM_000138.5(FBN1):c.7039A>T (p.Met2347Leu)

Gene: FBN1 (fibrillin 1; minus strand). Cytogenetic location: 15q21.1.
Variant type: single nucleotide variant.
Coding change: c.7039A>T on transcript NM_000138.5 (MANE Select); coding-DNA position 7039, A replaced by T.
Protein change: p.Met2347Leu; replaces methionine 2347 with leucine.
Molecular consequence: missense variant.
Genome position (GRCh38, 1-based): chr15:48,427,732, T>A on the plus strand (A>T on the coding strand, the complement: FBN1 is on the minus strand). VCF-style: chr15-48427732-T-A. GRCh37 (hg19) VCF-style: chr15-48719929-T-A.
Other names: short protein forms M2347L.
Identifiers: ClinVar variation 941377 (VCV000941377.9), dbSNP rs1284375434, ClinGen allele CA392330280.

ClinVar aggregate classification (germline): Uncertain significance (1 of 4 stars; one submission).

Conditions:
Familial thoracic aortic aneurysm and aortic dissection (TAAD). Also called: Thoracic aortic aneurysms and dissections. Identifiers: Orphanet 91387, MedGen C4707243, MONDO:0019625.
Marfan syndrome (MFS). Also called: Marfan syndrome, classic; Marfan syndrome type 1; Marfan's syndrome; FBN1-Related Marfan Syndrome; MARFAN SYNDROME, TYPE I. Identifiers: Orphanet 284963, Orphanet 558, MedGen C0024796, MONDO:0007947, OMIM 154700.

Submission:

Labcorp Genetics (formerly Invitae), Labcorp
Classification: Uncertain significance for Marfan syndrome; Familial thoracic aortic aneurysm and aortic dissection. Last evaluated: 2019-08-25. Review status: criteria provided, single submitter. Criteria: Invitae Variant Classification Sherloc (09022015). Collection method: clinical testing. Allele origin: germline.
Comment: This sequence change replaces methionine with leucine at codon 2347 of the FBN1 protein (p.Met2347Leu). The methionine residue is moderately conserved and there is a small physicochemical difference between methionine and leucine. This variant is not present in population databases (ExAC no frequency) and has not been reported in the literature in individuals with a FBN1-related disease. Algorithms developed to predict the effect of missense changes on protein structure and function output the following: SIFT: "Tolerated"; PolyPhen-2: "Benign"; Align-GVGD: "Class C0". The leucine amino acid residue is found in multiple mammalian species, suggesting that this missense change does not adversely affect protein function. These predictions have not been confirmed by published functional studies. In summary, this variant is a novel missense change that is not predicted to affect protein function. There is no indication that it causes disease, but the available evidence is currently insufficient to prove that conclusively. Therefore, it has been classified as a Variant of Uncertain Significance.